The following is an entry in ClinVar:

NM_005609.4(PYGM):c.1076G>A (p.Arg359Gln)

Gene: PYGM (glycogen phosphorylase, muscle associated; minus strand). Cytogenetic location: 11q13.1.
Variant type: single nucleotide variant.
Coding change: c.1076G>A on transcript NM_005609.4 (MANE Select); coding-DNA position 1076, G replaced by A.
Protein change: p.Arg359Gln; replaces arginine 359 with glutamine.
Molecular consequence: missense variant.
Genome position (GRCh38, 1-based): chr11:64,754,269, C>T on the plus strand (G>A on the coding strand, the complement: PYGM is on the minus strand). VCF-style: chr11-64754269-C-T. GRCh37 (hg19) VCF-style: chr11-64521741-C-T.
Other names: c.812G>A, p.Arg271Gln (NM_001164716.1); c.1076G>A (NM_005609.2); short protein forms R359Q, R271Q.
Identifiers: ClinVar variation 2167731 (VCV002167731.2), dbSNP rs1030163168, ClinGen allele CA223900998.

ClinVar aggregate classification (germline): Uncertain significance. Review status: criteria provided, multiple submitters, no conflicts (2 of 4 stars). 2 submissions from 2 submitters: Uncertain significance (2). Last evaluated 2023-10-13.

Conditions:
Glycogen storage disease, type V (GSD5). Also called: McArdle type glycogen storage disease; MCARDLE DISEASE; MUSCLE GLYCOGEN PHOSPHORYLASE DEFICIENCY; MYOPHOSPHORYLASE DEFICIENCY; PYGM DEFICIENCY. Identifiers: Orphanet 368, MedGen C0017924, MONDO:0009293, OMIM 232600.

Allele frequency attached by ClinVar (database versions not stated): gnomAD 0.00002.
gnomAD v4.1: 14 of 1,613,334 alleles (0.00087%); highest among the groups gnomAD compares: Middle Eastern, 0.016%; no homozygotes.

Submissions (2):

GeneDx
Classification: Uncertain significance. Last evaluated: 2023-10-13. Review status: criteria provided, single submitter. Criteria: GeneDx Variant Classification Process June 2021. Collection method: clinical testing. Allele origin: germline. Affected: yes.
Comment: Has not been previously published as pathogenic or benign to our knowledge; Not observed at significant frequency in large population cohorts (gnomAD); In silico analysis supports that this missense variant does not alter protein structure/function

Labcorp Genetics (formerly Invitae), Labcorp
Classification: Uncertain significance for Glycogen storage disease, type V. Last evaluated: 2022-03-18. Review status: criteria provided, single submitter. Criteria: Invitae Variant Classification Sherloc (09022015). Collection method: clinical testing. Allele origin: germline.
Comment: This sequence change replaces arginine, which is basic and polar, with glutamine, which is neutral and polar, at codon 359 of the PYGM protein (p.Arg359Gln). This variant is present in population databases (no rsID available, gnomAD 0.002%). This variant has not been reported in the literature in individuals affected with PYGM-related conditions. Algorithms developed to predict the effect of missense changes on protein structure and function are either unavailable or do not agree on the potential impact of this missense change (SIFT: "Not Available"; PolyPhen-2: "Benign"; Align-GVGD: "Not Available"). In summary, the available evidence is currently insufficient to determine the role of this variant in disease. Therefore, it has been classified as a Variant of Uncertain Significance.